The following is an entry in ClinVar:

ClinVar aggregate classification (germline): Uncertain significance (1 of 4 stars; one submission).

Conditions:
Hereditary pancreatitis (PCTT). Also called: Hereditary chronic pancreatitis; PRSS1-Related Hereditary Pancreatitis. Identifiers: Orphanet 676, MedGen C0238339, MONDO:0008185, OMIM 167800.

Allele frequency attached by ClinVar (database versions not stated): gnomAD 0.00001.
gnomAD v4.1: 2 of 1,613,934 alleles (0.00012%); highest among the groups gnomAD compares: African/African-American, 0.0013%; no homozygotes.

Submission:

Ambry Genetics
Classification: Uncertain significance for Hereditary pancreatitis. Last evaluated: 2021-10-30. Review status: criteria provided, single submitter. Criteria: Ambry Variant Classification Scheme 2023. Collection method: clinical testing. Allele origin: germline.
Comment: The p.A335P variant (also known as c.1003G>C), located in coding exon 9 of the CPA1 gene, results from a G to C substitution at nucleotide position 1003. The alanine at codon 335 is replaced by proline, an amino acid with highly similar properties. This amino acid position is conserved. In addition, this alteration is predicted to be tolerated by in silico analysis. Since supporting evidence is limited at this time, the clinical significance of this alteration remains unclear.

NM_001868.4(CPA1):c.1003G>C (p.Ala335Pro)

Gene: CPA1 (carboxypeptidase A1; plus strand). Cytogenetic location: 7q32.2.
Variant type: single nucleotide variant.
Coding change: c.1003G>C on transcript NM_001868.4 (MANE Select); coding-DNA position 1003, G replaced by C.
Protein change: p.Ala335Pro; replaces alanine 335 with proline.
Molecular consequence: missense variant.
Genome position (GRCh38, 1-based): chr7:130,385,854, G>C. VCF-style: chr7-130385854-G-C. GRCh37 (hg19) VCF-style: chr7-130025695-G-C.
Other names: short protein forms A335P.
Identifiers: ClinVar variation 1776020 (VCV001776020.2), dbSNP rs1796467528, ClinGen allele CA369284005.